The following is an entry in ClinVar:

ClinVar aggregate classification (germline): Uncertain significance. Review status: criteria provided, multiple submitters, no conflicts (2 of 4 stars). 2 submissions from 2 submitters: Uncertain significance (2). Last evaluated 2025-09-21.

Conditions:
PRPH2-related disorder. Also called: PRPH2-related condition; PRPH2-related disorders. Identifiers: MedGen CN239395.

Allele frequency attached by ClinVar (database versions not stated): 1000 Genomes Project 30x 0.00016; 1000 Genomes Project 0.00020.
gnomAD v4.1: 23 of 1,613,804 alleles (0.0014%); highest among the groups gnomAD compares: South Asian, 0.023%; 1 homozygote.

Submissions (2):

Labcorp Genetics (formerly Invitae), Labcorp
Classification: Uncertain significance for PRPH2-related disorder. Last evaluated: 2025-09-21. Review status: criteria provided, single submitter. Criteria: Invitae Variant Classification Sherloc (09022015). Collection method: clinical testing. Allele origin: germline.
Comment: This sequence change replaces serine, which is neutral and polar, with arginine, which is basic and polar, at codon 311 of the PRPH2 protein (p.Ser311Arg). This variant is present in population databases (rs137853904, gnomAD 0.03%). This variant has not been reported in the literature in individuals affected with PRPH2-related conditions. ClinVar contains an entry for this variant (Variation ID: 1977989). Invitae Evidence Modeling of protein sequence and biophysical properties (such as structural, functional, and spatial information, amino acid conservation, physicochemical variation, residue mobility, and thermodynamic stability) indicates that this missense variant is not expected to disrupt PRPH2 protein function with a negative predictive value of 95%. In summary, the available evidence is currently insufficient to determine the role of this variant in disease. Therefore, it has been classified as a Variant of Uncertain Significance.

Blueprint Genetics
Classification: Uncertain significance. Last evaluated: 2023-11-21. Review status: criteria provided, single submitter. Criteria: ACMG Guidelines, 2015. Collection method: clinical testing. Allele origin: germline.

NM_000322.5(PRPH2):c.933C>A (p.Ser311Arg)

Gene: PRPH2 (peripherin 2; minus strand). Cytogenetic location: 6p21.1.
Variant type: single nucleotide variant.
Coding change: c.933C>A on transcript NM_000322.5 (MANE Select); coding-DNA position 933, C replaced by A.
Protein change: p.Ser311Arg; replaces serine 311 with arginine.
Molecular consequence: missense variant.
Genome position (GRCh38, 1-based): chr6:42,698,403, G>T on the plus strand (C>A on the coding strand, the complement: PRPH2 is on the minus strand). VCF-style: chr6-42698403-G-T. GRCh37 (hg19) VCF-style: chr6-42666141-G-T.
Other names: short protein forms S311R.
Identifiers: ClinVar variation 1977989 (VCV001977989.6), dbSNP rs137853904, ClinGen allele CA3808477.